The following is an entry in ClinVar:

ClinVar aggregate classification (germline): Likely benign (1 of 4 stars; one submission).

Submission:

CeGaT Center for Human Genetics Tuebingen
Classification: Likely benign. Last evaluated: 2026-08-01. Review status: criteria provided, single submitter. Criteria: CeGaT Center For Human Genetics Tuebingen Variant Classification Criteria Version 2. Collection method: clinical testing. Allele origin: germline. Affected: yes. Observed: 1 variant allele.
Comment: MUC6: PM2:Supporting, BP4, BP7

NM_005961.3(MUC6):c.4230T>G (p.Pro1410=)

Gene: MUC6 (mucin 6, oligomeric mucus/gel-forming (gene/pseudogene); minus strand). Cytogenetic location: 11p15.5.
Variant type: single nucleotide variant.
Coding change: c.4230T>G on transcript NM_005961.3 (MANE Select); coding-DNA position 4230, T replaced by G.
Protein change: p.Pro1410=; no amino-acid change (proline 1410 retained).
Molecular consequence: synonymous variant.
Genome position (GRCh38, 1-based): chr11:1,018,571, A>C on the plus strand (T>G on the coding strand, the complement: MUC6 is on the minus strand). VCF-style: chr11-1018571-A-C. GRCh37 (hg19) VCF-style: chr11-1018571-A-C.
Identifiers: ClinVar variation 5038930 (VCV005038930.1).